The following is an entry in ClinVar:

ClinVar aggregate classification (germline): Uncertain significance (1 of 4 stars; one submission).

Conditions:
Joubert syndrome. Also called: CEREBELLOPARENCHYMAL DISORDER IV; JOUBERT-BOLTSHAUSER SYNDROME; Familial aplasia of the vermis. Identifiers: Orphanet 475, MedGen C5979921, MONDO:0018772.

Submission:

Labcorp Genetics (formerly Invitae), Labcorp
Classification: Uncertain significance for Joubert syndrome. Last evaluated: 2022-02-17. Review status: criteria provided, single submitter. Criteria: Invitae Variant Classification Sherloc (09022015). Collection method: clinical testing. Allele origin: germline.
Comment: This sequence change replaces isoleucine, which is neutral and non-polar, with methionine, which is neutral and non-polar, at codon 579 of the INPP5E protein (p.Ile579Met). In summary, the available evidence is currently insufficient to determine the role of this variant in disease. Therefore, it has been classified as a Variant of Uncertain Significance. Advanced modeling of protein sequence and biophysical properties (such as structural, functional, and spatial information, amino acid conservation, physicochemical variation, residue mobility, and thermodynamic stability) performed at Invitae indicates that this missense variant is not expected to disrupt INPP5E protein function. This missense change has been observed in individual(s) with clinical features of retinal dystrophy (Invitae). This variant is not present in population databases (gnomAD no frequency).

NM_019892.6(INPP5E):c.1737C>G (p.Ile579Met)

Gene: INPP5E (inositol polyphosphate-5-phosphatase E; minus strand). Cytogenetic location: 9q34.3.
Variant type: single nucleotide variant.
Coding change: c.1737C>G on transcript NM_019892.6 (MANE Select); coding-DNA position 1737, C replaced by G.
Protein change: p.Ile579Met; replaces isoleucine 579 with methionine.
Molecular consequence: missense variant.
Genome position (GRCh38, 1-based): chr9:136,430,342, G>C on the plus strand (C>G on the coding strand, the complement: INPP5E is on the minus strand). VCF-style: chr9-136430342-G-C. GRCh37 (hg19) VCF-style: chr9-139324794-G-C.
Other names: c.1734C>G, p.Ile578Met (NM_001318502.2); short protein forms I579M, I578M.
Identifiers: ClinVar variation 1501750 (VCV001501750.8), dbSNP rs2131604828, ClinGen allele CA375561250.